The following is an entry in ClinVar:

ClinVar aggregate classification (germline): Uncertain significance. Review status: criteria provided, multiple submitters, no conflicts (2 of 4 stars). 5 submissions from 5 submitters: Uncertain significance (5). Last evaluated 2025-02-05.

Conditions:
POLD1-related polyposis and colorectal cancer syndrome (CRCS10). Also called: COLORECTAL CANCER, SUSCEPTIBILITY TO, ON CHROMOSOME 19q; Colorectal cancer 10; Colorectal cancer, susceptibility to, 10. Identifiers: Orphanet 220460, MedGen C2675481, MONDO:0012953, OMIM 612591.
Mandibular hypoplasia-deafness-progeroid syndrome. Also called: Mandibular hypoplasia, deafness, progeroid features, and lipodystrophy syndrome. Identifiers: Orphanet 363649, MedGen C3715192, MONDO:0014157, OMIM 615381.
Hereditary cancer-predisposing syndrome. Also called: Hereditary Cancer Syndrome; Neoplastic Syndromes, Hereditary; Hereditary neoplastic syndrome; Tumor predisposition. Identifiers: Orphanet 140162, MedGen C0027672, MeSH D009386, MONDO:0015356.

Allele frequency attached by ClinVar (database versions not stated): gnomAD 0.00001; gnomAD exomes 0.00002; TOPMed 0.00002.
gnomAD v4.1: 36 of 1,580,034 alleles (0.0023%); highest among the groups gnomAD compares: Non-Finnish European, 0.003%; no homozygotes.

Submissions (5):

Ambry Genetics
Classification: Uncertain significance for Hereditary cancer-predisposing syndrome. Last evaluated: 2025-02-05. Review status: criteria provided, single submitter. Criteria: Ambry Variant Classification Scheme 2023. Collection method: clinical testing. Allele origin: germline.
Comment: The p.D289G variant (also known as c.866A>G), located in coding exon 7 of the POLD1 gene, results from an A to G substitution at nucleotide position 866. The aspartic acid at codon 289 is replaced by glycine, an amino acid with similar properties. This amino acid position is well conserved in available vertebrate species. In addition, the in silico prediction for this alteration is inconclusive. Based on the available evidence, the clinical significance of this variant remains unclear.

Labcorp Genetics (formerly Invitae), Labcorp
Classification: Uncertain significance for POLD1-related polyposis and colorectal cancer syndrome. Last evaluated: 2024-09-18. Review status: criteria provided, single submitter. Criteria: Invitae Variant Classification Sherloc (09022015). Collection method: clinical testing. Allele origin: germline.
Comment: This sequence change replaces aspartic acid, which is acidic and polar, with glycine, which is neutral and non-polar, at codon 289 of the POLD1 protein (p.Asp289Gly). This variant is not present in population databases (gnomAD no frequency). This variant has not been reported in the literature in individuals affected with POLD1-related conditions. ClinVar contains an entry for this variant (Variation ID: 239371). Invitae Evidence Modeling of protein sequence and biophysical properties (such as structural, functional, and spatial information, amino acid conservation, physicochemical variation, residue mobility, and thermodynamic stability) has been performed for this missense variant. However, the output from this modeling did not meet the statistical confidence thresholds required to predict the impact of this variant on POLD1 protein function. In summary, the available evidence is currently insufficient to determine the role of this variant in disease. Therefore, it has been classified as a Variant of Uncertain Significance.

GeneDx
Classification: Uncertain significance. Last evaluated: 2023-09-18. Review status: criteria provided, single submitter. Criteria: GeneDx Variant Classification Process June 2021. Collection method: clinical testing. Allele origin: germline. Affected: yes.
Comment: Not observed at significant frequency in large population cohorts (gnomAD); In silico analysis supports that this missense variant has a deleterious effect on protein structure/function; Has not been previously published as pathogenic or benign to our knowledge

Fulgent Genetics
Classification: Uncertain significance for POLD1-related polyposis and colorectal cancer syndrome; Mandibular hypoplasia-deafness-progeroid syndrome. Last evaluated: 2018-10-31. Review status: criteria provided, single submitter. Criteria: ACMG Guidelines, 2015. Collection method: clinical testing. Allele origin: unknown.

PreventionGenetics, part of Exact Sciences
Classification: Uncertain significance. Last evaluated: 2017-04-06. Review status: criteria provided, single submitter. Criteria: ACMG Guidelines, 2015. Collection method: clinical testing. Allele origin: germline.

NM_002691.4(POLD1):c.866A>G (p.Asp289Gly)

Gene: POLD1 (DNA polymerase delta 1, catalytic subunit; plus strand). Cytogenetic location: 19q13.33.
Variant type: single nucleotide variant.
Coding change: c.866A>G on transcript NM_002691.4 (MANE Select); coding-DNA position 866, A replaced by G.
Protein change: p.Asp289Gly; replaces aspartic acid 289 with glycine.
Molecular consequence: missense variant. On other transcripts: non-coding transcript variant (1).
Genome position (GRCh38, 1-based): chr19:50,402,637, A>G. VCF-style: chr19-50402637-A-G. GRCh37 (hg19) VCF-style: chr19-50905894-A-G.
Other names: c.866A>G, p.Asp289Gly (NM_001256849.1, NM_001308632.1); c.866A>G (NM_002691.2); short protein forms D289G.
Identifiers: ClinVar variation 239371 (VCV000239371.14), dbSNP rs878854558, ClinGen allele CA10583820.